The following is an entry in ClinVar:

NM_058216.3(RAD51C):c.70C>T (p.Arg24Trp)

Gene: RAD51C (RAD51 paralog C; plus strand). Cytogenetic location: 17q22.
Variant type: single nucleotide variant.
Coding change: c.70C>T on transcript NM_058216.3 (MANE Select); coding-DNA position 70, C replaced by T.
Protein change: p.Arg24Trp; replaces arginine 24 with tryptophan.
Molecular consequence: missense variant. On other transcripts: non-coding transcript variant (1).
Genome position (GRCh38, 1-based): chr17:58,692,713, C>T. VCF-style: chr17-58692713-C-T. GRCh37 (hg19) VCF-style: chr17-56770074-C-T.
Other names: c.70C>T, p.Arg24Trp (NM_002876.4); c.70C>T (NM_058216.1); short protein forms R24W.
Identifiers: ClinVar variation 241776 (VCV000241776.10), dbSNP rs878855180, ClinGen allele CA10583600.
Genomic context (GRCh38, chr17:58,692,713, plus strand): 5'-AAGACGTTCCGCTTTGAAATGCAGCGGGATTTGGTGAGTTTCCCGCTGTCTCCAGCGGTG[C>T]GGGTGAAGCTGGTGTCTGCGGGGTTCCAGACTGCTGAGGAACTCCTAGAGGTGAAACCCT-3'
Protein context (NP_478123.1, residues 14-34): LVSFPLSPAV[Arg24Trp]VKLVSAGFQT

ClinVar aggregate classification (germline): Uncertain significance. Review status: criteria provided, multiple submitters, no conflicts (2 of 4 stars). 2 submissions from 2 submitters: Uncertain significance (2). Last evaluated 2023-05-17.

Conditions:
Hereditary cancer-predisposing syndrome. Also called: Neoplastic Syndromes, Hereditary; Tumor predisposition; Hereditary neoplastic syndrome; Hereditary Cancer Syndrome. Identifiers: Orphanet 140162, MedGen C0027672, MeSH D009386, MONDO:0015356.
Fanconi anemia complementation group O. Also called: RAD51C-Related Fanconi Anemia. Identifiers: Orphanet 84, MedGen C3150653, MONDO:0013248, OMIM 613390.

Submissions (2):

Ambry Genetics
Classification: Uncertain significance for Hereditary cancer-predisposing syndrome. Last evaluated: 2023-05-17. Review status: criteria provided, single submitter. Criteria: Ambry Variant Classification Scheme 2023. Collection method: clinical testing. Allele origin: germline.
Comment: The p.R24W variant (also known as c.70C>T), located in coding exon 1 of the RAD51C gene, results from a C to T substitution at nucleotide position 70. The arginine at codon 24 is replaced by tryptophan, an amino acid with dissimilar properties. This amino acid position is well conserved in available vertebrate species. In addition, this alteration is predicted to be tolerated by in silico analysis. Since supporting evidence is limited at this time, the clinical significance of this alteration remains unclear.

Labcorp Genetics (formerly Invitae), Labcorp
Classification: Uncertain significance for Fanconi anemia complementation group O. Last evaluated: 2015-11-13. Review status: criteria provided, single submitter. Criteria: Invitae Variant Classification Sherloc (09022015). Collection method: clinical testing. Allele origin: germline.
Comment: This variant is not present in population databases (ExAC no frequency) and has not been reported in the literature. Algorithms developed to predict the effect of missense changes on protein structure and function do not agree on the potential impact of this missense change (SIFT: "Deleterious"; PolyPhen-2: "Probably Damaging"; Align-GVGD: "Class C0"). In summary, this is a novel missense change with uncertain impact on protein function. It has been classified as a Variant of Uncertain Significance. This sequence change replaces arginine with tryptophan at codon 24 of the RAD51C protein (p.Arg24Trp). The arginine residue is moderately conserved and there is a moderate physicochemical difference between arginine and tryptophan.

Literature cited by the submitters: PubMed 36562461 (cited by Ambry Genetics).